The following is an entry in ClinVar:

NM_000051.4(ATM):c.5222T>C (p.Leu1741Ser)

Gene: ATM (ATM serine/threonine kinase; plus strand). Cytogenetic location: 11q22.3.
Variant type: single nucleotide variant.
Coding change: c.5222T>C on transcript NM_000051.4 (MANE Select); coding-DNA position 5222, T replaced by C.
Protein change: p.Leu1741Ser; replaces leucine 1741 with serine.
Molecular consequence: missense variant.
Genome position (GRCh38, 1-based): chr11:108,301,692, T>C. VCF-style: chr11-108301692-T-C. GRCh37 (hg19) VCF-style: chr11-108172419-T-C.
Other names: c.5222T>C, p.Leu1741Ser (NM_001351834.2); short protein forms L1741S.
Identifiers: ClinVar variation 524421 (VCV000524421.18), dbSNP rs750896881, ClinGen allele CA228387532.
Genomic context (GRCh38, chr11:108,301,692, plus strand): 5'-GAATTGTTTTTTTCAGTGTCAAAGTTCGATCAGCAGCTGTTACCTGTTTGAAAAACATTT[T>C]AGCCACAAAGACTGGACATAGTTTCTGGGAGATTTATAAGATGACAACAGATCCAATGCT-3'
Protein context (NP_000042.3, residues 1731-1751): SAAVTCLKNI[Leu1741Ser]ATKTGHSFWE

ClinVar aggregate classification (germline): Uncertain significance. Review status: criteria provided, multiple submitters, no conflicts (2 of 4 stars). 4 submissions from 4 submitters: Uncertain significance (3). 1 of the submissions does not count toward it. Last evaluated 2025-10-26.

Conditions:
Ataxia-telangiectasia syndrome (AT). Also called: ATAXIA-TELANGIECTASIA, COMPLEMENTATION GROUP A; ATAXIA-TELANGIECTASIA, FRESNO VARIANT; Ataxia-telangiectasia; Ataxia-telangiectasia, complementation group D; AT, COMPLEMENTATION GROUP C; Ataxia-telangiectasia, complementation group E. Identifiers: Orphanet 100, MedGen C0004135, MONDO:0008840, OMIM 208900.
Hereditary cancer-predisposing syndrome. Also called: Neoplastic Syndromes, Hereditary; Tumor predisposition; Hereditary Cancer Syndrome; Hereditary neoplastic syndrome. Identifiers: Orphanet 140162, MedGen C0027672, MeSH D009386, MONDO:0015356.

Allele frequency attached by ClinVar (database versions not stated): gnomAD exomes below 0.00001.
gnomAD v4.1: 2 of 1,613,812 alleles (0.00012%); highest among the groups gnomAD compares: Non-Finnish European, 0.000085%; no homozygotes.

Submissions (4):

Labcorp Genetics (formerly Invitae), Labcorp
Classification: Uncertain significance for Ataxia-telangiectasia syndrome. Last evaluated: 2025-10-26. Review status: criteria provided, single submitter. Criteria: Invitae Variant Classification Sherloc (09022015). Collection method: clinical testing. Allele origin: germline.
Comment: This sequence change replaces leucine, which is neutral and non-polar, with serine, which is neutral and polar, at codon 1741 of the ATM protein (p.Leu1741Ser). This variant is not present in population databases (gnomAD no frequency). This variant has not been reported in the literature in individuals affected with ATM-related conditions. ClinVar contains an entry for this variant (Variation ID: 524421). Invitae Evidence Modeling of protein sequence and biophysical properties (such as structural, functional, and spatial information, amino acid conservation, physicochemical variation, residue mobility, and thermodynamic stability) has been performed for this missense variant. However, the output from this modeling did not meet the statistical confidence thresholds required to predict the impact of this variant on ATM protein function. In summary, the available evidence is currently insufficient to determine the role of this variant in disease. Therefore, it has been classified as a Variant of Uncertain Significance.

Ambry Genetics
Classification: Uncertain significance for Hereditary cancer-predisposing syndrome. Last evaluated: 2025-04-06. Review status: criteria provided, single submitter. Criteria: Ambry Variant Classification Scheme 2023. Collection method: clinical testing. Allele origin: germline.
Comment: The p.L1741S variant (also known as c.5222T>C), located in coding exon 34 of the ATM gene, results from a T to C substitution at nucleotide position 5222. The leucine at codon 1741 is replaced by serine, an amino acid with dissimilar properties. This amino acid position is highly conserved in available vertebrate species. In addition, this alteration is predicted to be deleterious by in silico analysis. Since supporting evidence is limited at this time, the clinical significance of this alteration remains unclear.

Color Diagnostics, LLC DBA Color Health
Classification: Uncertain significance for Hereditary cancer-predisposing syndrome. Last evaluated: 2024-03-06. Review status: criteria provided, single submitter. Criteria: ACMG Guidelines, 2015. Collection method: clinical testing. Allele origin: germline.
Comment: This missense variant replaces leucine with serine at codon 1741 of the ATM protein. Computational prediction is inconclusive regarding the impact of this variant on protein structure and function (internally defined REVEL score threshold 0.5 < inconclusive < 0.7, PMID: 27666373). To our knowledge, functional studies have not been reported for this variant. This variant has not been reported in individuals affected with hereditary cancer in the literature. This variant has not been identified in the general population by the Genome Aggregation Database (gnomAD). The available evidence is insufficient to determine the role of this variant in disease conclusively. Therefore, this variant is classified as a Variant of Uncertain Significance.

Natera, Inc.
Classification: Uncertain significance for Ataxia-telangiectasia. Last evaluated: 2020-12-22. Review status: no assertion criteria provided. Collection method: clinical testing. Allele origin: germline. Not counted in ClinVar's aggregate classification.